The following is an entry in ClinVar:

NM_021008.4(DEAF1):c.571A>G (p.Lys191Glu)

Gene: DEAF1 (DEAF1 transcription factor; minus strand). Cytogenetic location: 11p15.5.
Variant type: single nucleotide variant.
Coding change: c.571A>G on transcript NM_021008.4 (MANE Select); coding-DNA position 571, A replaced by G.
Protein change: p.Lys191Glu; replaces lysine 191 with glutamic acid.
Molecular consequence: missense variant. On other transcripts: 5 prime UTR variant (1).
Genome position (GRCh38, 1-based): chr11:688,004, T>C on the plus strand (A>G on the coding strand, the complement: DEAF1 is on the minus strand). VCF-style: chr11-688004-T-C. GRCh37 (hg19) VCF-style: chr11-688004-T-C.
Other names: c.571A>G, p.Lys191Glu (NM_001293634.2); c.-156A>G (NM_001367390.1); short protein forms K191E.
Identifiers: ClinVar variation 2861957 (VCV002861957.3), dbSNP rs1860672061, ClinGen allele CA378933940.
Genomic context (GRCh38, chr11:688,004, plus strand): 5'-TGATGTTCCGGCACCGTACGGGCAGCTCACTGTCGTACACAGAAGGGTCCCAGTTGTATT[T>C]AGTTCCACCTTTTTCTTGGCCGGGAGCCAGAGGGGTTGGAGGAGACTGAGGACCTTGGGC-3'
Protein context (NP_066288.2, residues 181-201): LAPGQEKGGT[Lys191Glu]YNWDPSVYDS

ClinVar aggregate classification (germline): Uncertain significance (1 of 4 stars; one submission).

Submission:

Labcorp Genetics (formerly Invitae), Labcorp
Classification: Uncertain significance. Last evaluated: 2025-06-02. Review status: criteria provided, single submitter. Criteria: Invitae Variant Classification Sherloc (09022015). Collection method: clinical testing. Allele origin: germline.
Comment: This sequence change replaces lysine, which is basic and polar, with glutamic acid, which is acidic and polar, at codon 191 of the DEAF1 protein (p.Lys191Glu). This variant is not present in population databases (gnomAD no frequency). This variant has not been reported in the literature in individuals affected with DEAF1-related conditions. ClinVar contains an entry for this variant (Variation ID: 2861957). Invitae Evidence Modeling of protein sequence and biophysical properties (such as structural, functional, and spatial information, amino acid conservation, physicochemical variation, residue mobility, and thermodynamic stability) indicates that this missense variant is expected to disrupt DEAF1 protein function with a positive predictive value of 80%. In summary, the available evidence is currently insufficient to determine the role of this variant in disease. Therefore, it has been classified as a Variant of Uncertain Significance.